The following is an entry in ClinVar:

ClinVar aggregate classification (germline): Benign/Likely benign. Review status: criteria provided, multiple submitters, no conflicts (2 of 4 stars). 3 submissions from 3 submitters: Benign (1); Likely benign (2). Last evaluated 2025-07-28.

Conditions:
Hereditary cancer-predisposing syndrome. Also called: Tumor predisposition; Neoplastic Syndromes, Hereditary; Hereditary Cancer Syndrome; Hereditary neoplastic syndrome. Identifiers: Orphanet 140162, MedGen C0027672, MeSH D009386, MONDO:0015356.
Papillary renal cell carcinoma type 1 (RCCP1). Also called: RENAL CELL CARCINOMA, PAPILLARY, 1, SOMATIC; Renal adenocarcinoma; Renal cell carcinoma 1; Renal cell carcinoma, somatic. Identifiers: Orphanet 47044, MedGen C1336839, OMIM 605074, HP:0011797.
Renal cell carcinoma. Identifiers: Orphanet 217071, MedGen C0007134, MeSH D002292, MONDO:0005086, HP:0005584.

Allele frequency attached by ClinVar (database versions not stated): TOPMed below 0.00001; gnomAD 0.00001.
gnomAD v4.1: 2 of 1,613,818 alleles (0.00012%); highest among the groups gnomAD compares: Non-Finnish European, 0.000085%; no homozygotes.

Submissions (3):

Labcorp Genetics (formerly Invitae), Labcorp
Classification: Likely benign for Renal cell carcinoma. Last evaluated: 2025-07-28. Review status: criteria provided, single submitter. Criteria: Invitae Variant Classification Sherloc (09022015). Collection method: clinical testing. Allele origin: germline.

Ambry Genetics
Classification: Likely benign for Hereditary cancer-predisposing syndrome. Last evaluated: 2025-06-02. Review status: criteria provided, single submitter. Criteria: Ambry Variant Classification Scheme 2023. Collection method: clinical testing. Allele origin: germline.

Myriad Genetics, Inc.
Classification: Benign for Papillary renal cell carcinoma type 1. Last evaluated: 2024-11-05. Review status: criteria provided, single submitter. Criteria: Myriad Autosomal Dominant, Autosomal Recessive and X-Linked Classification Criteria (2023). Collection method: clinical testing. Allele origin: unknown.
Comment: This variant is considered benign. This variant is a silent/synonymous amino acid change and it is not expected to impact splicing.

NM_000245.4(MET):c.75G>A (p.Glu25=)

Gene: MET (MET proto-oncogene, receptor tyrosine kinase; plus strand). Cytogenetic location: 7q31.2.
Variant type: single nucleotide variant.
Coding change: c.75G>A on transcript NM_000245.4 (MANE Select); coding-DNA position 75, G replaced by A.
Protein change: p.Glu25=; no amino-acid change (glutamic acid 25 retained).
Molecular consequence: synonymous variant. On other transcripts: intron variant (1).
Genome position (GRCh38, 1-based): chr7:116,699,159, G>A. VCF-style: chr7-116699159-G-A. GRCh37 (hg19) VCF-style: chr7-116339213-G-A.
Other names: c.75G>A, p.Glu25= (NM_001127500.3, NM_001324401.3); c.-91+26582G>A (NM_001324402.2); c.75G>A (NM_001127500.1).
Identifiers: ClinVar variation 1108190 (VCV001108190.11), dbSNP rs925600985, ClinGen allele CA164887706.